The following is an entry in ClinVar:

ClinVar aggregate classification (germline): Benign/Likely benign. Review status: criteria provided, multiple submitters, no conflicts (2 of 4 stars). 4 submissions from 4 submitters: Benign (1); Likely benign (1). 2 of the submissions do not count toward it. Last evaluated 2026-08-01.

Conditions:
Occult macular dystrophy (OCMD). Also called: OCCULT MACULAR DYSTROPHY, SUSCEPTIBILITY TO; OMD. Identifiers: Orphanet 247834, MedGen C3150833, MONDO:0013316, OMIM 613587, HP:0030636.

Allele frequency attached by ClinVar (database versions not stated): 1000 Genomes Project 30x 0.00078; 1000 Genomes Project 0.00080; gnomAD 0.00253 and 0.00260; ESP Exome Variant Server 0.00269; TOPMed 0.00295; ExAC 0.00360.
gnomAD v4.1: 4,696 of 1,571,162 alleles (0.3%); highest among the groups gnomAD compares: Middle Eastern, 0.52%; 16 homozygotes.

Submissions (4):

CeGaT Center for Human Genetics Tuebingen
Classification: Likely benign. Last evaluated: 2026-08-01. Review status: criteria provided, single submitter. Criteria: CeGaT Center For Human Genetics Tuebingen Variant Classification Criteria Version 2. Collection method: clinical testing. Allele origin: germline. Affected: yes. Observed: 10 variant alleles.
Comment: RP1L1: BP4, BS2

Illumina Laboratory Services, Illumina
Classification: Benign for Occult macular dystrophy. Last evaluated: 2018-01-12. Review status: criteria provided, single submitter. Criteria: ICSL Variant Classification Criteria 13 December 2019. Collection method: clinical testing. Allele origin: germline.
Comment: This variant was observed in the ICSL laboratory as part of a predisposition screen in an ostensibly healthy population. It had not been previously curated by ICSL or reported in the Human Gene Mutation Database (HGMD: prior to June 1st, 2018), and was therefore a candidate for classification through an automated scoring system. Utilizing variant allele frequency, disease prevalence and penetrance estimates, and inheritance mode, an automated score was calculated to assess if this variant is too frequent to cause the disease. Based on the score and internal cut-off values, a variant classified as benign is not then subjected to further curation. The score for this variant resulted in a classification of benign for this disease.

Clinical Genetics DNA and cytogenetics Diagnostics Lab, Erasmus MC, Erasmus Medical Center
Classification: Likely benign. Review status: no assertion criteria provided. Collection method: clinical testing. Allele origin: germline. Affected: yes. Study: VKGL Data-share Consensus. Not counted in ClinVar's aggregate classification.

Clinical Genetics, Academic Medical Center
Classification: Benign. Review status: no assertion criteria provided. Collection method: clinical testing. Allele origin: germline. Affected: yes. Study: VKGL Data-share Consensus. Not counted in ClinVar's aggregate classification.

NM_178857.6(RP1L1):c.2644C>T (p.Arg882Trp)

Gene: RP1L1 (RP1 like 1). Cytogenetic location: 8p23.1.
Variant type: single nucleotide variant.
Coding change: c.2644C>T on transcript NM_178857.6 (MANE Select); coding-DNA position 2644, C replaced by T.
Protein change: p.Arg882Trp; replaces arginine 882 with tryptophan.
Molecular consequence: missense variant.
Genome position (GRCh38, 1-based): chr8:10,611,454, G>A on the plus strand (C>T on the coding strand, the complement: RP1L1 is on the minus strand). VCF-style: chr8-10611454-G-A. GRCh37 (hg19) VCF-style: chr8-10468964-G-A.
Other names: short protein forms R882W.
Identifiers: ClinVar variation 361337 (VCV000361337.48), dbSNP rs148936402, ClinGen allele CA4624759.
Genomic context (GRCh38, chr8:10,611,454, plus strand): 5'-CTGGGGACGGCGTGGGGCCTGGCTGGCGTGTCCCCTCCTGCGGGCTCCCACCTGGCCCCC[G>A]GGCAGTGCTTTGGTGGCTGCTGCCGGTGCTCCCACAGCTGGAAGAGCGCCTCTGGGGGCA-3'
Protein context (NP_849188.4, residues 872-892): STGSSHQSTA[Arg882Trp]GPGGSPQEGT